The following is an entry in ClinVar:

ClinVar aggregate classification (germline): Uncertain significance (1 of 4 stars; one submission).

Submission:

Ambry Genetics
Classification: Uncertain significance. Last evaluated: 2022-09-13. Review status: criteria provided, single submitter. Criteria: Ambry Variant Classification Scheme 2023. Collection method: clinical testing. Allele origin: germline.
Comment: The p.D138E variant (also known as c.414T>A), located in coding exon 1 of the TERF2IP gene, results from a T to A substitution at nucleotide position 414. The aspartic acid at codon 138 is replaced by glutamic acid, an amino acid with highly similar properties. This amino acid position is conserved. In addition, this alteration is predicted to be tolerated by in silico analysis. Since supporting evidence is limited at this time, the clinical significance of this alteration remains unclear.

NM_018975.4(TERF2IP):c.414T>A (p.Asp138Glu)

Gene: TERF2IP (TERF2 interacting protein; plus strand). Cytogenetic location: 16q23.1.
Variant type: single nucleotide variant.
Coding change: c.414T>A on transcript NM_018975.4 (MANE Select); coding-DNA position 414, T replaced by A.
Protein change: p.Asp138Glu; replaces aspartic acid 138 with glutamic acid.
Molecular consequence: missense variant. On other transcripts: non-coding transcript variant (1).
Genome position (GRCh38, 1-based): chr16:75,648,296, T>A. VCF-style: chr16-75648296-T-A. GRCh37 (hg19) VCF-style: chr16-75682194-T-A.
Other names: short protein forms D138E.
Identifiers: ClinVar variation 1738250 (VCV001738250.2), dbSNP rs2507074106, ClinGen allele CA396817852.
Genomic context (GRCh38, chr16:75,648,296, plus strand): 5'-GGCCGAGGGCGCCGCGGAGCCGGAGCCGCAGCGGCACGCCGGGCGGATCGCCTTCACGGA[T>A]GCGGACGACGTAGCCATCCTTACCTACGTGAAGGAAAATGCCCGCTCGCCCAGCTCCGTC-3'
Protein context (NP_061848.2, residues 128-148): QRHAGRIAFT[Asp138Glu]ADDVAILTYV